The following is an entry in ClinVar:

NM_002880.4(RAF1):c.1156C>G (p.Gln386Glu)

Gene: RAF1 (Raf-1 proto-oncogene, serine/threonine kinase; minus strand). Cytogenetic location: 3p25.2.
Variant type: single nucleotide variant.
Coding change: c.1156C>G on transcript NM_002880.4 (MANE Select); coding-DNA position 1156, C replaced by G.
Protein change: p.Gln386Glu; replaces glutamine 386 with glutamic acid.
Molecular consequence: missense variant. On other transcripts: non-coding transcript variant (3).
Genome position (GRCh38, 1-based): chr3:12,591,745, G>C on the plus strand (C>G on the coding strand, the complement: RAF1 is on the minus strand). VCF-style: chr3-12591745-G-C. GRCh37 (hg19) VCF-style: chr3-12633244-G-C.
Other names: c.1216C>G, p.Gln406Glu (NM_001354689.3); c.1156C>G, p.Gln386Glu (NM_001354690.3); c.913C>G, p.Gln305Glu (NM_001354691.3, NM_001354692.3); c.1057C>G, p.Gln353Glu (NM_001354693.3); c.973C>G, p.Gln325Glu (NM_001354694.3); c.814C>G, p.Gln272Glu (NM_001354695.3); short protein forms Q305E, Q325E, Q353E, Q386E, Q406E, Q272E.
Identifiers: ClinVar variation 1735416 (VCV001735416.2), dbSNP rs2125347518, ClinGen allele CA351503854.

ClinVar aggregate classification (germline): Uncertain significance (1 of 4 stars; one submission).

Conditions:
Cardiovascular phenotype. Identifiers: MedGen CN230736.

Submission:

Ambry Genetics
Classification: Uncertain significance for Cardiovascular phenotype. Last evaluated: 2020-05-12. Review status: criteria provided, single submitter. Criteria: Ambry Variant Classification Scheme 2023. Collection method: clinical testing. Allele origin: germline.
Comment: The p.Q386E variant (also known as c.1156C>G), located in coding exon 10 of the RAF1 gene, results from a C to G substitution at nucleotide position 1156. The glutamine at codon 386 is replaced by glutamic acid, an amino acid with highly similar properties. This amino acid position is highly conserved in available vertebrate species. In addition, the in silico prediction for this alteration is inconclusive. Since supporting evidence is limited at this time, the clinical significance of this alteration remains unclear.